The following is an entry in ClinVar:

NM_000719.7(CACNA1C):c.3049-80G>A

Gene: CACNA1C (calcium voltage-gated channel subunit alpha1 C; plus strand). Cytogenetic location: 12p13.33.
Variant type: single nucleotide variant.
Coding change: c.3049-80G>A on transcript NM_000719.7 (MANE Select); 80 bases into the intron before coding-DNA position 3049, G replaced by A.
Molecular consequence: intron variant.
Genome position (GRCh38, 1-based): chr12:2,605,599, G>A. VCF-style: chr12-2605599-G-A. GRCh37 (hg19) VCF-style: chr12-2714765-G-A.
Other names: c.3049-80G>A (NM_001167624.3, NM_001167623.2, NM_001167625.2 and 15 more transcripts); c.3109-80G>A (NM_199460.4, NM_001129827.2, NM_001129832.2); c.3040-80G>A (NM_001129844.2).
Identifiers: ClinVar variation 3776178 (VCV003776178.1).

ClinVar aggregate classification (germline): Uncertain significance (1 of 4 stars; one submission).

Conditions:
Neurodevelopmental disorder with hypotonia, language delay, and skeletal defects with or without seizures (NEDHLSS). Identifiers: MedGen C5774213, MONDO:0859286, OMIM 620029.

gnomAD v4.1: 5 of 999,040 alleles (0.0005%); highest among the groups gnomAD compares: East Asian, 0.0073%; no homozygotes.

Submission:

3billion
Classification: Uncertain significance for Neurodevelopmental disorder with hypotonia, language delay, and skeletal defects with or without seizures. Last evaluated: 2024-01-23. Review status: criteria provided, single submitter. Criteria: ACMG Guidelines, 2015. Collection method: clinical testing. Allele origin: germline. Affected: yes.
Comment: The variant is not observed in the gnomAD v2.1.1 dataset. Predicted Consequence/Location: Intron variant In silico tools predict the variant to alter splicing and produce an abnormal transcript [SpliceAI: 0.44 (>=0.2, moderate evidence for spliceogenicity)]. Therefore, this variant is classified as VUS according to the recommendation of ACMG/AMP guideline.